The following is an entry in ClinVar:

NM_001042492.3(NF1):c.4107C>A (p.Tyr1369Ter)

Gene: NF1 (neurofibromin 1; plus strand). Cytogenetic location: 17q11.2.
Variant type: single nucleotide variant.
Coding change: c.4107C>A on transcript NM_001042492.3 (MANE Select); coding-DNA position 4107, C replaced by A.
Protein change: p.Tyr1369Ter; replaces tyrosine 1369 with a stop codon.
Molecular consequence: nonsense.
Genome position (GRCh38, 1-based): chr17:31,249,116, C>A. VCF-style: chr17-31249116-C-A. GRCh37 (hg19) VCF-style: chr17-29576134-C-A.
Other names: c.4107C>A, p.Tyr1369Ter (NM_000267.4); short protein forms Y1369*.
Identifiers: ClinVar variation 1071205 (VCV001071205.7), dbSNP rs1597735272, ClinGen allele CA398995101.

ClinVar aggregate classification (germline): Pathogenic. Review status: criteria provided, multiple submitters, no conflicts (2 of 4 stars). 3 submissions from 3 submitters: Pathogenic (3). Last evaluated 2024-05-12.

Conditions:
Neurofibromatosis, type 1 (NF1). Also called: VON RECKLINGHAUSEN DISEASE; Peripheral type neurofibromatosis; NEUROFIBROMATOSIS, TYPE I, SOMATIC; Neurofibromatosis, type I. Identifiers: Orphanet 636, MedGen C0027831, MONDO:0018975, OMIM 162200. Disease mechanism: loss of function.

Submissions (3):

Labcorp Genetics (formerly Invitae), Labcorp
Classification: Pathogenic for Neurofibromatosis, type 1. Last evaluated: 2024-05-12. Review status: criteria provided, single submitter. Criteria: Invitae Variant Classification Sherloc (09022015). Collection method: clinical testing. Allele origin: germline.
Comment: This sequence change creates a premature translational stop signal (p.Tyr1369*) in the NF1 gene. It is expected to result in an absent or disrupted protein product. Loss-of-function variants in NF1 are known to be pathogenic (PMID: 10712197, 23913538). This variant is not present in population databases (gnomAD no frequency). This premature translational stop signal has been observed in individual(s) with clinical features of NF1 (PMID: 30290804). ClinVar contains an entry for this variant (Variation ID: 1071205). For these reasons, this variant has been classified as Pathogenic.

Mendelics
Classification: Pathogenic for Neurofibromatosis, type 1. Last evaluated: 2022-05-04. Review status: criteria provided, single submitter. Criteria: Mendelics Assertion Criteria 2019. Collection method: clinical testing. Allele origin: germline.

Genome-Nilou Lab
Classification: Pathogenic for Neurofibromatosis, type 1. Last evaluated: 2022-03-15. Review status: criteria provided, single submitter. Criteria: ACMG Guidelines, 2015. Collection method: clinical testing. Allele origin: germline. Affected: no.

Literature cited by the submitters: PubMed 10712197 (cited by Labcorp Genetics (formerly Invitae), Labcorp); PubMed 23913538 (cited by Labcorp Genetics (formerly Invitae), Labcorp); PubMed 30290804 (cited by Labcorp Genetics (formerly Invitae), Labcorp).